The following is an entry in ClinVar:

NM_000531.6(OTC):c.663G>C (p.Lys221Asn)

Gene: OTC (ornithine transcarbamylase; plus strand). Cytogenetic location: Xp11.4.
Variant type: single nucleotide variant.
Coding change: c.663G>C on transcript NM_000531.6 (MANE Select); coding-DNA position 663, G replaced by C.
Protein change: p.Lys221Asn; replaces lysine 221 with asparagine.
Molecular consequence: missense variant.
Genome position (GRCh38, 1-based): chrX:38,403,740, G>C. VCF-style: chrX-38403740-G-C. GRCh37 (hg19) VCF-style: chrX-38262993-G-C.
Other names: short protein forms K221N.
Identifiers: ClinVar variation 97287 (VCV000097287.2), dbSNP rs281865552, ClinGen allele CA224735.

ClinVar aggregate classification (germline): Pathogenic (0 of 4 stars; one submission).

Submission:

GenMed Metabolism Lab
Classification: Pathogenic. Review status: no assertion criteria provided. Collection method: not provided. Allele origin: unknown.
Comment: p.Lys221Asn, Neonatal
ClinVar note: Converted during submission from pathogenic to Pathogenic.